The following is an entry in ClinVar:

NM_007055.4(POLR3A):c.2624T>C (p.Leu875Pro)

Gene: POLR3A (RNA polymerase III subunit A; minus strand). Cytogenetic location: 10q22.3.
Variant type: single nucleotide variant.
Coding change: c.2624T>C on transcript NM_007055.4 (MANE Select); coding-DNA position 2624, T replaced by C.
Protein change: p.Leu875Pro; replaces leucine 875 with proline.
Molecular consequence: missense variant.
Genome position (GRCh38, 1-based): chr10:77,993,360, A>G on the plus strand (T>C on the coding strand, the complement: POLR3A is on the minus strand). VCF-style: chr10-77993360-A-G. GRCh37 (hg19) VCF-style: chr10-79753118-A-G.
Other names: short protein forms L875P.
Identifiers: ClinVar variation 4770223 (VCV004770223.1).

ClinVar aggregate classification (germline): Uncertain significance (1 of 4 stars; one submission).

gnomAD v4.1: 1 of 1,613,520 alleles (0.000062%); no homozygotes.

Submission:

Labcorp Genetics (formerly Invitae), Labcorp
Classification: Uncertain significance. Last evaluated: 2025-09-21. Review status: criteria provided, single submitter. Criteria: Invitae Variant Classification Sherloc (09022015). Collection method: clinical testing. Allele origin: germline.
Comment: This sequence change replaces leucine, which is neutral and non-polar, with proline, which is neutral and non-polar, at codon 875 of the POLR3A protein (p.Leu875Pro). This variant is present in population databases (rs757071404, gnomAD 0.0009%). This variant has not been reported in the literature in individuals affected with POLR3A-related conditions. Invitae Evidence Modeling of protein sequence and biophysical properties (such as structural, functional, and spatial information, amino acid conservation, physicochemical variation, residue mobility, and thermodynamic stability) indicates that this missense variant is expected to disrupt POLR3A protein function with a positive predictive value of 80%. In summary, the available evidence is currently insufficient to determine the role of this variant in disease. Therefore, it has been classified as a Variant of Uncertain Significance.